The following is an entry in ClinVar:

NM_003738.5(PTCH2):c.1716del (p.Ser573fs)

Gene: PTCH2 (patched 2; minus strand). Cytogenetic location: 1p34.1.
Variant type: Deletion.
Coding change: c.1716del on transcript NM_003738.5 (MANE Select); coding-DNA position 1716, one base deleted (C; older notation c.1716delC).
Protein change: p.Ser573fs; shifts the reading frame from serine 573.
Molecular consequence: frameshift variant.
Genome position (GRCh38, 1-based): chr1:44,828,185, G deleted on the plus strand (C on the coding strand, the reverse complement: PTCH2 is on the minus strand). VCF-style (leftmost placement, unchanged base first): chr1-44828184-AG-A. GRCh37 (hg19) VCF-style: chr1-45293856-AG-A.
Other names: c.1716del, p.Ser573fs (NM_001166292.2); short protein forms S573fs.
Identifiers: ClinVar variation 2706993 (VCV002706993.3), dbSNP rs2521966732, ClinGen allele CA2697552368.
Genomic context (GRCh38, chr1:44,828,184, plus strand): 5'-TGCCCACTGGTACTGTCCCGTCCCCCAGCTCCTGGGGCAGGATCTGAATCACCTGAGCAG[AG>A]CAGGGACTGGAAGAGGTAGAGAGTGGATGACAGGTCTGTGCCTTGAAATGCTGGTGAGGG-3'

ClinVar aggregate classification (germline): Uncertain significance (1 of 4 stars; one submission).

Conditions:
Gorlin syndrome. Also called: Nevoid Basal Cell Carcinoma Syndrome; Basal cell nevus syndrome. Identifiers: Orphanet 377, MedGen C0004779, MONDO:0007187.

Submission:

Labcorp Genetics (formerly Invitae), Labcorp
Classification: Uncertain significance for Gorlin syndrome. Last evaluated: 2024-01-02. Review status: criteria provided, single submitter. Criteria: Invitae Variant Classification Sherloc (09022015). Collection method: clinical testing. Allele origin: germline.
Comment: This sequence change creates a premature translational stop signal (p.Ser573Leufs*4) in the PTCH2 gene. It is expected to result in an absent or disrupted protein product. However, the current clinical and genetic evidence is not sufficient to establish whether loss-of-function variants in PTCH2 cause disease. This variant is not present in population databases (gnomAD no frequency). This variant has not been reported in the literature in individuals affected with PTCH2-related conditions. In summary, the available evidence is currently insufficient to determine the role of this variant in disease. Therefore, it has been classified as a Variant of Uncertain Significance.